The following is an entry in ClinVar:

ClinVar aggregate classification (germline): Likely benign. Review status: criteria provided, single submitter (1 of 4 stars). 2 submissions from 2 submitters: Likely benign (1). 1 of the submissions does not count toward it. Last evaluated 2023-10-26.

Conditions:
BBS1-related disorder. Also called: BBS1-related condition.
Bardet-Biedl syndrome (BBS). Identifiers: Orphanet 110, MedGen C0752166, MONDO:0015229.

Allele frequency attached by ClinVar (database versions not stated): ExAC 0.00003; TOPMed below 0.00001; gnomAD 0.00002 and 0.00001; gnomAD exomes 0.00003 and 0.00001.
gnomAD v4.1: 21 of 1,614,096 alleles (0.0013%); highest among the groups gnomAD compares: South Asian, 0.0066%; no homozygotes.

Submissions (2):

Labcorp Genetics (formerly Invitae), Labcorp
Classification: Likely benign for Bardet-Biedl syndrome. Last evaluated: 2023-10-26. Review status: criteria provided, single submitter. Criteria: Invitae Variant Classification Sherloc (09022015). Collection method: clinical testing. Allele origin: germline.

PreventionGenetics, part of Exact Sciences
Classification: Likely benign for BBS1-related condition. Last evaluated: 2023-10-24. Review status: no assertion criteria provided. Collection method: clinical testing. Allele origin: germline. Not counted in ClinVar's aggregate classification.
Comment: This variant is classified as likely benign based on ACMG/AMP sequence variant interpretation guidelines (Richards et al. 2015 PMID: 25741868, with internal and published modifications).

NM_024649.5(BBS1):c.1572C>T (p.Asn524=)

Genes: BBS1 (Bardet-Biedl syndrome 1; plus strand), ZDHHC24 (zDHHC palmitoyltransferase 24; minus strand). Cytogenetic location: 11q13.2.
Variant type: single nucleotide variant.
Coding change: c.1572C>T on transcript NM_024649.5 (MANE Select); coding-DNA position 1572, C replaced by T.
Protein change: p.Asn524=; no amino-acid change (asparagine 524 retained).
Molecular consequence: synonymous variant. On other transcripts: intron variant (1).
Genome position (GRCh38, 1-based): chr11:66,530,992, C>T. VCF-style: chr11-66530992-C-T. GRCh37 (hg19) VCF-style: chr11-66298463-C-T.
Other names: c.560-1504G>A (NM_001348571.2).
Identifiers: ClinVar variation 1595916 (VCV001595916.9), dbSNP rs757866253, ClinGen allele CA6123815.